The following is an entry in ClinVar:

NM_012254.3(SLC27A5):c.1164C>T (p.Tyr388=)

Gene: SLC27A5 (solute carrier family 27 member 5; minus strand). Cytogenetic location: 19q13.43.
Variant type: single nucleotide variant.
Coding change: c.1164C>T on transcript NM_012254.3 (MANE Select); coding-DNA position 1164, C replaced by T.
Protein change: p.Tyr388=; no amino-acid change (tyrosine 388 retained).
Molecular consequence: synonymous variant.
Genome position (GRCh38, 1-based): chr19:58,501,304, G>A on the plus strand (C>T on the coding strand, the complement: SLC27A5 is on the minus strand). VCF-style: chr19-58501304-G-A. GRCh37 (hg19) VCF-style: chr19-59012671-G-A.
Other names: c.912C>T, p.Tyr304= (NM_001321196.2).
Identifiers: ClinVar variation 3031370 (VCV003031370.2), dbSNP rs746567408, ClinGen allele CA9718090.

ClinVar aggregate classification (germline): Likely benign (0 of 4 stars; one submission).

Conditions:
SLC27A5-related disorder. Also called: SLC27A5-related condition.

Allele frequency attached by ClinVar (database versions not stated): ExAC 0.00001; gnomAD 0.00001; TOPMed 0.00001.
gnomAD v4.1: 13 of 1,613,450 alleles (0.00081%); highest among the groups gnomAD compares: Non-Finnish European, 0.0011%; no homozygotes.

Submission:

PreventionGenetics, part of Exact Sciences
Classification: Likely benign for SLC27A5-related condition. Last evaluated: 2021-06-28. Review status: no assertion criteria provided. Collection method: clinical testing. Allele origin: germline.
Comment: This variant is classified as likely benign based on ACMG/AMP sequence variant interpretation guidelines (Richards et al. 2015 PMID: 25741868, with internal and published modifications).